The following is an entry in ClinVar:

ClinVar aggregate classification (germline): Uncertain significance (1 of 4 stars; one submission).

gnomAD v4.1: 2 of 1,593,024 alleles (0.00013%); highest among the groups gnomAD compares: Non-Finnish European, 0.00017%; no homozygotes.

Submission:

Women's Health and Genetics/Laboratory Corporation of America, LabCorp
Classification: Uncertain significance. Last evaluated: 2023-12-08. Review status: criteria provided, single submitter. Criteria: LabCorp Variant Classification Summary - May 2015. Collection method: clinical testing. Allele origin: germline.
Comment: Variant summary: NBEAL2 c.3649G>T (p.Gly1217Trp) results in a non-conservative amino acid change in the encoded protein sequence. Three of four in-silico tools predict a damaging effect of the variant on protein function. The variant was absent in 207246 control chromosomes. The available data on variant occurrences in the general population are insufficient to allow any conclusion about variant significance. To our knowledge, no occurrence of c.3649G>T in individuals affected with Gray Platelet Syndrome and no experimental evidence demonstrating its impact on protein function have been reported. No submitters have cited clinical-significance assessments for this variant to ClinVar after 2014. Based on the evidence outlined above, the variant was classified as uncertain significance.

NM_015175.3(NBEAL2):c.3649G>T (p.Gly1217Trp)

Gene: NBEAL2 (neurobeachin like 2; plus strand). Cytogenetic location: 3p21.31.
Variant type: single nucleotide variant.
Coding change: c.3649G>T on transcript NM_015175.3 (MANE Select); coding-DNA position 3649, G replaced by T.
Protein change: p.Gly1217Trp; replaces glycine 1217 with tryptophan.
Molecular consequence: missense variant.
Genome position (GRCh38, 1-based): chr3:46,999,420, G>T. VCF-style: chr3-46999420-G-T. GRCh37 (hg19) VCF-style: chr3-47040910-G-T.
Other names: c.3547G>T, p.Gly1183Trp (NM_001365116.2); short protein forms G1183W, G1217W.
Identifiers: ClinVar variation 2691553 (VCV002691553.1), dbSNP rs1315668363, ClinGen allele CA352514956.
Genomic context (GRCh38, chr3:46,999,420, plus strand): 5'-CGCCAGCGCCTCCGGCTGCGGGAGTGTGGTCTCCAGGGTCTGGTTGCCTGCTTGCCTGAG[G>T]GGACTGTTTCCCCCCAGCTCTGCCAGGGCCTCTACAAGCTGTTCCTGGGGGCAGGTACAA-3'
Protein context (NP_055990.1, residues 1207-1227): LQGLVACLPE[Gly1217Trp]TVSPQLCQGL